The following is an entry in ClinVar:

NM_001126108.2(SLC12A3):c.1919A>G (p.Asn640Ser)

Gene: SLC12A3 (solute carrier family 12 member 3; plus strand). Cytogenetic location: 16q13.
Variant type: single nucleotide variant.
Coding change: c.1919A>G on transcript NM_001126108.2 (MANE Select); coding-DNA position 1919, A replaced by G.
Protein change: p.Asn640Ser; replaces asparagine 640 with serine.
Molecular consequence: missense variant.
Genome position (GRCh38, 1-based): chr16:56,885,358, A>G. VCF-style: chr16-56885358-A-G. GRCh37 (hg19) VCF-style: chr16-56919270-A-G.
Other names: c.1919A>G, p.Asn640Ser (NM_000339.3); c.1916A>G, p.Asn639Ser (NM_001126107.2); short protein forms N640S, N639S.
Identifiers: ClinVar variation 267286 (VCV000267286.10), dbSNP rs886039754, ClinGen allele CA281505366.

ClinVar aggregate classification (germline): Conflicting classifications of pathogenicity. Review status: criteria provided, conflicting classifications (1 of 4 stars). 5 submissions from 5 submitters: Likely pathogenic (3); Uncertain significance (2). Last evaluated 2024-01-19.

Conditions:
Familial hypokalemia-hypomagnesemia (GTLMNS). Also called: HYPOMAGNESEMIA-HYPOKALEMIA, PRIMARY RENOTUBULAR, WITH HYPOCALCIURIA; POTASSIUM AND MAGNESIUM DEPLETION; gitelman syndrome. Identifiers: Orphanet 358, MedGen C0268450, MONDO:0009904, OMIM 263800.

Allele frequency attached by ClinVar (database versions not stated): gnomAD exomes below 0.00001 and 0.00001.
gnomAD v4.1: 5 of 1,549,314 alleles (0.00032%); highest among the groups gnomAD compares: East Asian, 0.0024%; no homozygotes.

Submissions (5):

Fulgent Genetics
Classification: Likely pathogenic for Familial hypokalemia-hypomagnesemia. Last evaluated: 2024-01-19. Review status: criteria provided, single submitter. Criteria: ACMG Guidelines, 2015. Collection method: clinical testing. Allele origin: germline.

Labcorp Genetics (formerly Invitae), Labcorp
Classification: Likely pathogenic. Last evaluated: 2023-09-19. Review status: criteria provided, single submitter. Criteria: Invitae Variant Classification Sherloc (09022015). Collection method: clinical testing. Allele origin: germline.
Comment: This sequence change replaces asparagine, which is neutral and polar, with serine, which is neutral and polar, at codon 640 of the SLC12A3 protein (p.Asn640Ser). The frequency data for this variant in the population databases is considered unreliable, as metrics indicate poor data quality at this position in the gnomAD database. This missense change has been observed in individual(s) with Gitelman syndrome (PMID: 29378538, 33095447). In at least one individual the data is consistent with being in trans (on the opposite chromosome) from a pathogenic variant. ClinVar contains an entry for this variant (Variation ID: 267286). Advanced modeling of protein sequence and biophysical properties (such as structural, functional, and spatial information, amino acid conservation, physicochemical variation, residue mobility, and thermodynamic stability) performed at Invitae indicates that this missense variant is expected to disrupt SLC12A3 protein function. In summary, the currently available evidence indicates that the variant is pathogenic, but additional data are needed to prove that conclusively. Therefore, this variant has been classified as Likely Pathogenic.

GeneDx
Classification: Uncertain significance. Last evaluated: 2023-09-08. Review status: criteria provided, single submitter. Criteria: GeneDx Variant Classification Process June 2021. Collection method: clinical testing. Allele origin: germline. Affected: yes.
Comment: Reported with a second variant (phase unknown) in a patient with Gitelman syndrome in published literature (PMID: 29378538); In silico analysis supports that this missense variant has a deleterious effect on protein structure/function; This variant is associated with the following publications: (PMID: 22679066, 31398183, GozeticiMA2022[Article], 28469853, 33095447, 25841442, 34389731, 34604727, 29378538)

Revvity Omics, Revvity
Classification: Uncertain significance for Familial hypokalemia-hypomagnesemia. Last evaluated: 2021-05-07. Review status: criteria provided, single submitter. Criteria: ACMG Guidelines, 2015. Collection method: clinical testing. Allele origin: germline.

Department of Endocrinology, Sir Run Run Shaw Hospital
Classification: Likely pathogenic for Familial hypokalemia-hypomagnesemia. Last evaluated: 2016-01-01. Review status: criteria provided, single submitter. Criteria: ACMG Guidelines, 2015. Collection method: clinical testing. Allele origin: germline. Affected: yes. Observed: 1 variant allele.
Comment: It was perceived as a compound heterozygous variant of SLC12A3 gene.

Literature cited by the submitters: PubMed 29378538 (cited by Labcorp Genetics (formerly Invitae), Labcorp); PubMed 33095447 (cited by Labcorp Genetics (formerly Invitae), Labcorp).